The following is an entry in ClinVar:

NM_000368.5(TSC1):c.2032C>T (p.His678Tyr)

Gene: TSC1 (TSC complex subunit 1; minus strand). Cytogenetic location: 9q34.13.
Variant type: single nucleotide variant.
Coding change: c.2032C>T on transcript NM_000368.5 (MANE Select); coding-DNA position 2032, C replaced by T.
Protein change: p.His678Tyr; replaces histidine 678 with tyrosine.
Molecular consequence: missense variant.
Genome position (GRCh38, 1-based): chr9:132,904,420, G>A on the plus strand (C>T on the coding strand, the complement: TSC1 is on the minus strand). VCF-style: chr9-132904420-G-A. GRCh37 (hg19) VCF-style: chr9-135779807-G-A.
Other names: c.2029C>T, p.His677Tyr (NM_001162426.2); c.1879C>T, p.His627Tyr (NM_001162427.2); c.1669C>T, p.His557Tyr (NM_001362177.2); short protein forms H627Y, H557Y, H677Y, H678Y.
Identifiers: ClinVar variation 645758 (VCV000645758.12), dbSNP rs755647717, ClinGen allele CA030706.
Genomic context (GRCh38, chr9:132,904,420, plus strand): 5'-AGCAAGCAGGAACCATGTGGGCTGGATTTGGAGCTAAAGTAACAACTTTACCTCCAAAGT[G>A]GGTCCAGTCGACAGACTTGCTGGGTAAAGGCAACCTAGGAAGAAAGTTTTTGAGTAACAA-3'
Protein context (NP_000359.1, residues 668-688): PLPSKSVDWT[His678Tyr]FGGSPPSDEI

ClinVar aggregate classification (germline): Uncertain significance. Review status: criteria provided, multiple submitters, no conflicts (2 of 4 stars). 2 submissions from 2 submitters: Uncertain significance (2). Last evaluated 2025-07-28.

Conditions:
Hereditary cancer-predisposing syndrome. Also called: Neoplastic Syndromes, Hereditary; Hereditary Cancer Syndrome; Hereditary neoplastic syndrome; Tumor predisposition. Identifiers: Orphanet 140162, MedGen C0027672, MeSH D009386, MONDO:0015356.
Tuberous sclerosis 1 (TSC1). Identifiers: Orphanet 805, MedGen C1854465, MONDO:0008612, OMIM 191100.

Allele frequency attached by ClinVar (database versions not stated): gnomAD exomes below 0.00001 and 0.00001; ExAC 0.00001.
gnomAD v4.1: 2 of 1,614,034 alleles (0.00012%); highest among the groups gnomAD compares: East Asian, 0.0022%; no homozygotes.

Submissions (2):

Ambry Genetics
Classification: Uncertain significance for Hereditary cancer-predisposing syndrome. Last evaluated: 2025-07-28. Review status: criteria provided, single submitter. Criteria: Ambry Variant Classification Scheme 2023. Collection method: clinical testing. Allele origin: germline.
Comment: The p.H678Y variant (also known as c.2032C>T), located in coding exon 14 of the TSC1 gene, results from a C to T substitution at nucleotide position 2032. The histidine at codon 678 is replaced by tyrosine, an amino acid with similar properties. This amino acid position is highly conserved in available vertebrate species. In addition, this alteration is predicted to be deleterious by in silico analysis. Based on the available evidence, the clinical significance of this variant remains unclear.

Labcorp Genetics (formerly Invitae), Labcorp
Classification: Uncertain significance for Tuberous sclerosis 1. Last evaluated: 2018-09-21. Review status: criteria provided, single submitter. Criteria: Invitae Variant Classification Sherloc (09022015). Collection method: clinical testing. Allele origin: germline.
Comment: This sequence change replaces histidine with tyrosine at codon 678 of the TSC1 protein (p.His678Tyr). The histidine residue is moderately conserved and there is a moderate physicochemical difference between histidine and tyrosine. In summary, the available evidence is currently insufficient to determine the role of this variant in disease. Therefore, it has been classified as a Variant of Uncertain Significance. Algorithms developed to predict the effect of missense changes on protein structure and function are either unavailable or do not agree on the potential impact of this missense change (SIFT: "Tolerated"; PolyPhen-2: "Probably Damaging"; Align-GVGD: "Class C0"). This variant has not been reported in the literature in individuals with TSC1-related disease. This variant is present in population databases (rs755647717, ExAC 0.01%).